The following is an entry in ClinVar:

ClinVar aggregate classification (germline): Uncertain significance (1 of 4 stars; one submission).

Allele frequency attached by ClinVar (database versions not stated): gnomAD exomes below 0.00001.
gnomAD v4.1: 4 of 1,614,138 alleles (0.00025%); highest among the groups gnomAD compares: Admixed American, 0.005%; no homozygotes.

Submission:

Labcorp Genetics (formerly Invitae), Labcorp
Classification: Uncertain significance. Last evaluated: 2022-10-25. Review status: criteria provided, single submitter. Criteria: Invitae Variant Classification Sherloc (09022015). Collection method: clinical testing. Allele origin: germline.
Comment: In summary, the available evidence is currently insufficient to determine the role of this variant in disease. Therefore, it has been classified as a Variant of Uncertain Significance. Algorithms developed to predict the effect of missense changes on protein structure and function (SIFT, PolyPhen-2, Align-GVGD) all suggest that this variant is likely to be tolerated. This sequence change replaces serine, which is neutral and polar, with phenylalanine, which is neutral and non-polar, at codon 11 of the DHX32 protein (p.Ser11Phe). This variant is present in population databases (no rsID available, gnomAD 0.006%). This variant has not been reported in the literature in individuals affected with DHX32-related conditions.

NM_018180.3(DHX32):c.32C>T (p.Ser11Phe)

Gene: DHX32 (DEAH-box helicase 32 (putative); minus strand). Cytogenetic location: 10q26.2.
Variant type: single nucleotide variant.
Coding change: c.32C>T on transcript NM_018180.3 (MANE Select); coding-DNA position 32, C replaced by T.
Protein change: p.Ser11Phe; replaces serine 11 with phenylalanine.
Molecular consequence: missense variant.
Genome position (GRCh38, 1-based): chr10:125,880,793, G>A on the plus strand (C>T on the coding strand, the complement: DHX32 is on the minus strand). VCF-style: chr10-125880793-G-A. GRCh37 (hg19) VCF-style: chr10-127569362-G-A.
Other names: short protein forms S11F.
Identifiers: ClinVar variation 2978106 (VCV002978106.3), dbSNP rs1317108325, ClinGen allele CA378669872.